The following is an entry in ClinVar:

NM_001122955.4(BSCL2):c.88-634G>C

Genes: BSCL2 (BSCL2 lipid droplet biogenesis associated, seipin; minus strand), HNRNPUL2-BSCL2 (HNRNPUL2-BSCL2 readthrough (NMD candidate); minus strand). Cytogenetic location: 11q12.3.
Variant type: single nucleotide variant.
Coding change: c.88-634G>C on transcript NM_001122955.4 (MANE Select); 634 bases into the intron before coding-DNA position 88, G replaced by C.
Molecular consequence: intron variant. On other transcripts: 5 prime UTR variant (2).
Genome position (GRCh38, 1-based): chr11:62,706,251, C>G on the plus strand (G>C on the coding strand, the complement: BSCL2 is on the minus strand). VCF-style: chr11-62706251-C-G. GRCh37 (hg19) VCF-style: chr11-62473723-C-G.
Other names: c.-154G>C (NM_001130702.2, NM_032667.6); c.88-634G>C (NM_001386028.1, NM_001386027.1).
Identifiers: ClinVar variation 305188 (VCV000305188.6), dbSNP rs575422877, ClinGen allele CA10635196.

ClinVar aggregate classification (germline): Likely benign. Review status: criteria provided, single submitter (1 of 4 stars). 2 submissions from 1 submitter: Likely benign (2). Last evaluated 2018-01-13.

Conditions:
Congenital generalized lipodystrophy type 2 (CGL2). Also called: BERARDINELLI SYNDROME; BRUNZELL SYNDROME, BSCL2-RELATED; SEIP SYNDROME; Berardinelli-Seip Congenital Lipodystrophy Type 2. Identifiers: Orphanet 528, Orphanet 696289, MedGen C1720863, MONDO:0010020, OMIM 269700.
Neuronopathy, distal hereditary motor, type 5A (HMND5). Also called: Distal Spinal Muscular Atrophy V; DHMN VA; Distal Spinal Muscular Atrophy V (dSMA-V); NEURONOPATHY, DISTAL HEREDITARY MOTOR, AUTOSOMAL DOMINANT 5. Identifiers: Orphanet 139536, MedGen CN031873, MONDO:0015353, OMIM 600794.

Allele frequency attached by ClinVar (database versions not stated): gnomAD 0.00001 and 0.00007; TOPMed 0.00002; 1000 Genomes Project 0.00060; 1000 Genomes Project 30x 0.00062.
gnomAD v4.1: 152 of 1,097,172 alleles (0.014%); highest among the groups gnomAD compares: South Asian, 0.32%; 3 homozygotes.

Submissions (2):

Illumina Laboratory Services, Illumina
Classification: Likely benign for Congenital generalized lipodystrophy type 2. Last evaluated: 2018-01-13. Review status: criteria provided, single submitter. Criteria: ICSL Variant Classification Criteria 13 December 2019. Collection method: clinical testing. Allele origin: germline.
Comment: This variant was observed in the ICSL laboratory as part of a predisposition screen in an ostensibly healthy population. It had not been previously curated by ICSL or reported in the Human Gene Mutation Database (HGMD: prior to June 1st, 2018), and was therefore a candidate for classification through an automated scoring system. Utilizing variant allele frequency, disease prevalence and penetrance estimates, and inheritance mode, an automated score was calculated to assess if this variant is too frequent to cause the disease. Based on the score and internal cut-off values, a variant classified as likely benign is not then subjected to further curation. The score for this variant resulted in a classification of likely benign for this disease.

Illumina Laboratory Services, Illumina
Classification: Likely benign for Neuronopathy, distal hereditary motor, type 5A. Last evaluated: 2018-01-13. Review status: criteria provided, single submitter. Criteria: ICSL Variant Classification Criteria 13 December 2019. Collection method: clinical testing. Allele origin: germline.
Comment: the same text as in the submission from Illumina Laboratory Services, Illumina above.